The following is an entry in ClinVar:

NM_001129.5(AEBP1):c.2485C>A (p.Pro829Thr)

Gene: AEBP1 (AE binding protein 1; plus strand). Cytogenetic location: 7p13.
Variant type: single nucleotide variant.
Coding change: c.2485C>A on transcript NM_001129.5 (MANE Select); coding-DNA position 2485, C replaced by A.
Protein change: p.Pro829Thr; replaces proline 829 with threonine.
Molecular consequence: missense variant.
Genome position (GRCh38, 1-based): chr7:44,112,825, C>A. VCF-style: chr7-44112825-C-A. GRCh37 (hg19) VCF-style: chr7-44152424-C-A.
Other names: c.2485C>A (NM_001129.4); short protein forms P829T.
Identifiers: ClinVar variation 1385966 (VCV001385966.38), dbSNP rs143544464, ClinGen allele CA4238219.

ClinVar aggregate classification (germline): Uncertain significance. Review status: criteria provided, multiple submitters, no conflicts (2 of 4 stars). 4 submissions from 4 submitters: Uncertain significance (4). Last evaluated 2026-03-10.

Allele frequency attached by ClinVar (database versions not stated): gnomAD exomes 0.00013 and 0.00019; 1000 Genomes Project 30x 0.00016; gnomAD 0.00019; 1000 Genomes Project 0.00020; TOPMed 0.00021; ExAC 0.00023; ESP Exome Variant Server 0.00031.
gnomAD v4.1: 236 of 1,612,190 alleles (0.015%); highest among the groups gnomAD compares: Middle Eastern, 0.083%; 1 homozygote.

Submissions (4):

Women's Health and Genetics/Laboratory Corporation of America, LabCorp
Classification: Uncertain significance. Last evaluated: 2026-03-10. Review status: criteria provided, single submitter. Criteria: LabCorp Variant Classification Summary - May 2015. Collection method: clinical testing. Allele origin: germline.
Comment: Variant summary: AEBP1 c.2485C>A (p.Pro829Thr) results in a non-conservative amino acid change in the encoded protein sequence. Algorithms developed to predict the effect of missense changes on protein structure and function all suggest that this variant is likely to be disruptive. The variant allele was found at a frequency of 0.00019 in 247054 control chromosomes in the gnomAD database, including 1 homozygotes. This frequency is not significantly higher than estimated for disease-causing variants in AEBP1, allowing no conclusion about variant significance. To our knowledge, no occurrence of c.2485C>A in individuals affected with AEBP1-related conditions and no experimental evidence demonstrating its impact on protein function have been reported. ClinVar contains an entry for this variant (Variation ID: 1385966). Based on the evidence outlined above, the variant was classified as uncertain significance.

GeneDx
Classification: Uncertain significance. Last evaluated: 2025-09-10. Review status: criteria provided, single submitter. Criteria: GeneDx Variant Classification Process June 2021. Collection method: clinical testing. Allele origin: germline.
Comment: In silico analysis suggests that this missense variant does not alter protein structure/function; Has not been previously published as pathogenic or benign to our knowledge

Labcorp Genetics (formerly Invitae), Labcorp
Classification: Uncertain significance. Last evaluated: 2022-09-01. Review status: criteria provided, single submitter. Criteria: Invitae Variant Classification Sherloc (09022015). Collection method: clinical testing. Allele origin: germline.
Comment: This sequence change replaces proline, which is neutral and non-polar, with threonine, which is neutral and polar, at codon 829 of the AEBP1 protein (p.Pro829Thr). This variant is present in population databases (rs143544464, gnomAD 0.06%). This variant has not been reported in the literature in individuals affected with AEBP1-related conditions. ClinVar contains an entry for this variant (Variation ID: 1385966). Algorithms developed to predict the effect of missense changes on protein structure and function output the following: SIFT: "Tolerated"; PolyPhen-2: "Benign"; Align-GVGD: "Class C0". The threonine amino acid residue is found in multiple mammalian species, which suggests that this missense change does not adversely affect protein function. In summary, the available evidence is currently insufficient to determine the role of this variant in disease. Therefore, it has been classified as a Variant of Uncertain Significance.

CeGaT Center for Human Genetics Tuebingen
Classification: Uncertain significance. Last evaluated: 2022-06-01. Review status: criteria provided, single submitter. Criteria: CeGaT Center For Human Genetics Tuebingen Variant Classification Criteria Version 2. Collection method: clinical testing. Allele origin: germline. Affected: yes. Observed: 1 variant allele.